The following is an entry in ClinVar:

NM_006389.5(HYOU1):c.839G>A (p.Arg280Gln)

Gene: HYOU1 (hypoxia up-regulated 1; minus strand). Cytogenetic location: 11q23.3.
Variant type: single nucleotide variant.
Coding change: c.839G>A on transcript NM_006389.5 (MANE Select); coding-DNA position 839, G replaced by A.
Protein change: p.Arg280Gln; replaces arginine 280 with glutamine.
Molecular consequence: missense variant.
Genome position (GRCh38, 1-based): chr11:119,052,785, C>T on the plus strand (G>A on the coding strand, the complement: HYOU1 is on the minus strand). VCF-style: chr11-119052785-C-T. GRCh37 (hg19) VCF-style: chr11-118923497-C-T.
Other names: c.839G>A, p.Arg280Gln (NM_001130991.3, NM_001411041.1); short protein forms R280Q.
Identifiers: ClinVar variation 1922889 (VCV001922889.5), dbSNP rs1301685724, ClinGen allele CA382944449.

ClinVar aggregate classification (germline): Uncertain significance (1 of 4 stars; one submission).

Allele frequency attached by ClinVar (database versions not stated): gnomAD 0.00001; gnomAD exomes 0.00001; TOPMed 0.00001.
gnomAD v4.1: 18 of 1,614,156 alleles (0.0011%); highest among the groups gnomAD compares: East Asian, 0.02%; no homozygotes.

Submission:

Labcorp Genetics (formerly Invitae), Labcorp
Classification: Uncertain significance. Last evaluated: 2022-05-29. Review status: criteria provided, single submitter. Criteria: Invitae Variant Classification Sherloc (09022015). Collection method: clinical testing. Allele origin: germline.
Comment: This sequence change replaces arginine, which is basic and polar, with glutamine, which is neutral and polar, at codon 280 of the HYOU1 protein (p.Arg280Gln). This variant is present in population databases (no rsID available, gnomAD 0.03%). This variant has not been reported in the literature in individuals affected with HYOU1-related conditions. Algorithms developed to predict the effect of missense changes on protein structure and function are either unavailable or do not agree on the potential impact of this missense change (SIFT: "Not Available"; PolyPhen-2: "Probably Damaging"; Align-GVGD: "Not Available"). In summary, the available evidence is currently insufficient to determine the role of this variant in disease. Therefore, it has been classified as a Variant of Uncertain Significance.